The following is an entry in ClinVar:

NM_001004356.3(FGFRL1):c.1259C>T (p.Pro420Leu)

Gene: FGFRL1 (fibroblast growth factor receptor like 1; plus strand). Cytogenetic location: 4p16.3.
Variant type: single nucleotide variant.
Coding change: c.1259C>T on transcript NM_001004356.3 (MANE Select); coding-DNA position 1259, C replaced by T.
Protein change: p.Pro420Leu; replaces proline 420 with leucine.
Molecular consequence: missense variant.
Genome position (GRCh38, 1-based): chr4:1,025,091, C>T. VCF-style: chr4-1025091-C-T. GRCh37 (hg19) VCF-style: chr4-1018879-C-T.
Other names: c.1259C>T, p.Pro420Leu (NM_001004358.1, NM_001370296.1, NM_021923.3); short protein forms P420L.
Identifiers: ClinVar variation 2905614 (VCV002905614.3), dbSNP rs375985073, ClinGen allele CA2803048.

ClinVar aggregate classification (germline): Uncertain significance (1 of 4 stars; one submission).

Allele frequency attached by ClinVar (database versions not stated): 1000 Genomes Project 30x 0.00047; 1000 Genomes Project 0.00060.
gnomAD v4.1: 47 of 1,610,296 alleles (0.0029%); highest among the groups gnomAD compares: African/African-American, 0.029%; no homozygotes.

Submission:

Labcorp Genetics (formerly Invitae), Labcorp
Classification: Uncertain significance. Last evaluated: 2024-01-11. Review status: criteria provided, single submitter. Criteria: Invitae Variant Classification Sherloc (09022015). Collection method: clinical testing. Allele origin: germline.
Comment: This sequence change replaces proline, which is neutral and non-polar, with leucine, which is neutral and non-polar, at codon 420 of the FGFRL1 protein (p.Pro420Leu). This variant is present in population databases (rs375985073, gnomAD 0.04%). This variant has not been reported in the literature in individuals affected with FGFRL1-related conditions. Algorithms developed to predict the effect of missense changes on protein structure and function output the following: SIFT: "Not Available"; PolyPhen-2: "Benign"; Align-GVGD: "Not Available". The leucine amino acid residue is found in multiple mammalian species, which suggests that this missense change does not adversely affect protein function. In summary, the available evidence is currently insufficient to determine the role of this variant in disease. Therefore, it has been classified as a Variant of Uncertain Significance.